The following is an entry in ClinVar:

NM_002241.5(KCNJ10):c.1112C>T (p.Ala371Val)

Gene: KCNJ10 (potassium inwardly rectifying channel subfamily J member 10; minus strand). Cytogenetic location: 1q23.2.
Variant type: single nucleotide variant.
Coding change: c.1112C>T on transcript NM_002241.5 (MANE Select); coding-DNA position 1112, C replaced by T.
Protein change: p.Ala371Val; replaces alanine 371 with valine.
Molecular consequence: missense variant.
Genome position (GRCh38, 1-based): chr1:160,041,421, G>A on the plus strand (C>T on the coding strand, the complement: KCNJ10 is on the minus strand). VCF-style: chr1-160041421-G-A. GRCh37 (hg19) VCF-style: chr1-160011211-G-A.
Other names: short protein forms A371V.
Identifiers: ClinVar variation 2168105 (VCV002168105.1), dbSNP rs2525428822, ClinGen allele CA343221855.

ClinVar aggregate classification (germline): Uncertain significance (1 of 4 stars; one submission).

Conditions:
EAST syndrome (SESAMES). Also called: SEIZURES, SENSORINEURAL DEAFNESS, ATAXIA, IMPAIRED INTELLECTUAL DEVELOPMENT, AND ELECTROLYTE IMBALANCE. Identifiers: Orphanet 199343, MedGen C2748572, MONDO:0013005, OMIM 612780.

gnomAD v4.1: 13 of 1,613,502 alleles (0.00081%); highest among the groups gnomAD compares: Non-Finnish European, 0.001%; no homozygotes.

Submission:

Labcorp Genetics (formerly Invitae), Labcorp
Classification: Uncertain significance for EAST syndrome. Last evaluated: 2022-07-31. Review status: criteria provided, single submitter. Criteria: Invitae Variant Classification Sherloc (09022015). Collection method: clinical testing. Allele origin: germline.
Comment: This sequence change replaces alanine, which is neutral and non-polar, with valine, which is neutral and non-polar, at codon 371 of the KCNJ10 protein (p.Ala371Val). This variant is not present in population databases (gnomAD no frequency). This variant has not been reported in the literature in individuals affected with KCNJ10-related conditions. Algorithms developed to predict the effect of missense changes on protein structure and function (SIFT, PolyPhen-2, Align-GVGD) all suggest that this variant is likely to be tolerated. In summary, the available evidence is currently insufficient to determine the role of this variant in disease. Therefore, it has been classified as a Variant of Uncertain Significance.